The following is an entry in ClinVar:

NM_001291415.2(KDM6A):c.2988C>T (p.Tyr996=)

Gene: KDM6A (lysine demethylase 6A; plus strand). Cytogenetic location: Xp11.3.
Variant type: single nucleotide variant.
Coding change: c.2988C>T on transcript NM_001291415.2 (MANE Select); coding-DNA position 2988, C replaced by T.
Protein change: p.Tyr996=; no amino-acid change (tyrosine 996 retained).
Molecular consequence: synonymous variant. On other transcripts: non-coding transcript variant (1).
Genome position (GRCh38, 1-based): chrX:45,076,826, C>T. VCF-style: chrX-45076826-C-T. GRCh37 (hg19) VCF-style: chrX-44936071-C-T.
Other names: c.2832C>T (NM_021140.2); c.2853C>T, p.Tyr951= (NM_001291416.2, NM_001419811.1); c.2697C>T, p.Tyr899= (NM_001291417.2); c.2595C>T, p.Tyr865= (NM_001291418.2, NM_001419815.1); c.1944C>T, p.Tyr648= (NM_001291421.2); c.2730C>T, p.Tyr910= (NM_001410742.1, NM_001419814.1); c.2988C>T, p.Tyr996= (NM_001419809.1); c.2886C>T, p.Tyr962= (NM_001419810.1, NM_001419813.1); and 1 more.
Identifiers: ClinVar variation 2916014 (VCV002916014.4), dbSNP rs370510476, ClinGen allele CA10392578.

ClinVar aggregate classification (germline): Uncertain significance. Review status: criteria provided, multiple submitters, no conflicts (2 of 4 stars). 2 submissions from 2 submitters: Uncertain significance (2). Last evaluated 2024-06-04.

Conditions:
Inborn genetic diseases. Identifiers: MedGen C0950123, MeSH D030342.
Kabuki syndrome 2 (KABUK2). Also called: KDM6A-Related Kabuki Syndrome. Identifiers: Orphanet 2322, MedGen C3275495, MONDO:0010465, OMIM 300867.

Allele frequency attached by ClinVar (database versions not stated): TOPMed 0.00001; gnomAD 0.00002; gnomAD exomes 0.00002; ExAC 0.00003; ESP Exome Variant Server 0.00009.
gnomAD v4.1: 19 of 1,196,739 alleles (0.0016%); highest among the groups gnomAD compares: South Asian, 0.0036%; no homozygotes.

Submissions (2):

Ambry Genetics
Classification: Uncertain significance for Inborn genetic diseases. Last evaluated: 2024-06-04. Review status: criteria provided, single submitter. Criteria: Ambry Variant Classification Scheme 2023. Collection method: clinical testing. Allele origin: germline.
Comment: The c.2832C>T (p.Y944Y) alteration is located in exon 18 (coding exon 18) of the KDM6A gene. This alteration consists of a C to T substitution at nucleotide position 2832. This nucleotide substitution does not change the amino acid at codon 944. However, this change occurs in the last nucleotide of Exon 18 (c.2703_2832) which makes it likely to have some effect on normal mRNA splicing. Based on data from gnomAD, the T allele has an overall frequency of 0.002% (3/182646) total alleles studied, with 1 hemizygote observed. The highest observed frequency was 0.005% (1/18891) of South Asian alleles. This nucleotide position is poorly conserved in available vertebrate species. In silico splice site analysis predicts that this alteration will not have any significant effect on splicing. Based on insufficient or conflicting evidence, the clinical significance of this alteration remains unclear.

Labcorp Genetics (formerly Invitae), Labcorp
Classification: Uncertain significance for Kabuki syndrome 2. Last evaluated: 2023-04-26. Review status: criteria provided, single submitter. Criteria: Invitae Variant Classification Sherloc (09022015). Collection method: clinical testing. Allele origin: germline.
Comment: This sequence change affects codon 944 of the KDM6A mRNA. It is a 'silent' change, meaning that it does not change the encoded amino acid sequence of the KDM6A protein. It affects a nucleotide within the consensus splice site. This variant is present in population databases (rs370510476, gnomAD 0.005%), including at least one homozygous and/or hemizygous individual. This variant has not been reported in the literature in individuals affected with KDM6A-related conditions. Algorithms developed to predict the effect of sequence changes on RNA splicing suggest that this variant is not likely to affect RNA splicing. In summary, the available evidence is currently insufficient to determine the role of this variant in disease. Therefore, it has been classified as a Variant of Uncertain Significance.